The following is an entry in ClinVar:

NM_133379.5(TTN):c.13980C>G (p.His4660Gln)

Genes: TTN (titin; minus strand), LOC126806432 (CDK7 strongly-dependent group 2 enhancer GRCh37_chr2:179611985-179613184; plus strand). Cytogenetic location: 2q31.2.
Variant type: single nucleotide variant.
Coding change: c.13980C>G on transcript NM_133379.5; coding-DNA position 13980, C replaced by G.
Protein change: p.His4660Gln; replaces histidine 4660 with glutamine.
Molecular consequence: missense variant. On other transcripts: intron variant (6).
Genome position (GRCh38, 1-based): chr2:178,748,420, G>C on the plus strand (C>G on the coding strand, the complement: TTN is on the minus strand). VCF-style: chr2-178748420-G-C. GRCh37 (hg19) VCF-style: chr2-179613147-G-C.
Other names: p.H4660Q:CAC>CAG; c.10360+4704C>G (NM_133378.4, NM_001256850.1); c.10222+4704C>G (NM_003319.4); c.10798+4704C>G (NM_133437.4); c.10597+4704C>G (NM_133432.3); c.11311+4704C>G (NM_001267550.2); c.13980C>G (NM_133379.4); short protein forms H4660Q.
Identifiers: ClinVar variation 47766 (VCV000047766.11), dbSNP rs75785339, ClinGen allele CA284473.
Genomic context (GRCh38, chr2:178,748,420, plus strand): 5'-TTGACTGGAAGAAATTTCTTGACTGGCAAATACATTATTTTGCACACTTTTAGAGATATT[G>C]TGTGTGTCAGGTTGTAACGTTTCAGGGCTAGGAATTTTTTCTTTATAATGTATTTCCTGC-3'

ClinVar aggregate classification (germline): Benign. Review status: criteria provided, multiple submitters, no conflicts (2 of 4 stars). 7 submissions from 7 submitters: Benign (5). 2 of the submissions do not count toward it. Last evaluated 2025-04-09.

Allele frequency attached by ClinVar (database versions not stated): gnomAD exomes 0.00876; ExAC 0.01119; gnomAD 0.03589 and 0.03844; 1000 Genomes Project 0.03854; TOPMed 0.04052; ESP Exome Variant Server 0.04084; 1000 Genomes Project 30x 0.04122.
gnomAD v4.1: 10,675 of 1,613,078 alleles (0.66%); highest among the groups gnomAD compares: African/African-American, 13%; 628 homozygotes.

Submissions (7):

Molecular Diagnostic Laboratory for Inherited Cardiovascular Disease, Montreal Heart Institute
Classification: Benign. Last evaluated: 2025-04-09. Review status: criteria provided, single submitter. Criteria: ACMG Guidelines, 2015. Collection method: clinical testing. Allele origin: germline. Affected: no.

GeneDx
Classification: Benign. Last evaluated: 2014-01-21. Review status: criteria provided, single submitter. Criteria: GeneDx Variant Classification (06012015). Collection method: clinical testing. Allele origin: germline. Affected: yes.
Comment: This variant is considered likely benign or benign based on one or more of the following criteria: it is a conservative change, it occurs at a poorly conserved position in the protein, it is predicted to be benign by multiple in silico algorithms, and/or has population frequency not consistent with disease.

Biesecker Lab/Clinical Genomics Section, National Institutes of Health
Classification: Benign. Last evaluated: 2013-06-24. Review status: criteria provided, single submitter. Criteria: Ng et al. (Circ Cardiovasc Genet. 2013). Collection method: research. Allele origin: unknown. Observed: 10 variant alleles. Study: ClinSeq.
Comment: The study set was not selected for affection status in relation to any cancer. Pathogenicity categories were based on literature curation. See Pubmed ID:23861362 for details.

Medical sequencing

Laboratory for Molecular Medicine, Mass General Brigham Personalized Medicine
Classification: Benign. Last evaluated: 2012-04-11. Review status: criteria provided, single submitter. Criteria: LMM Criteria. Collection method: clinical testing. Allele origin: germline. Observed: 47 variant alleles.
Comment: His4660Gln in exon 45A of TTN: This variant is not expected to have clinical sig nificance because it has been identified in 12.1% (452/3738) of African American chromosomes from a broad population by the NHLBI Exome Sequencing Project (dbSNP rs75785339).

Breakthrough Genomics
Classification: Benign. Review status: criteria provided, single submitter. Criteria: ACMG Guidelines, 2015. Collection method: not provided. Allele origin: germline. Inheritance: Autosomal recessive inheritance. Affected: yes.

Clinical Genetics, Academic Medical Center
Classification: Benign. Review status: no assertion criteria provided. Collection method: clinical testing. Allele origin: germline. Affected: yes. Study: VKGL Data-share Consensus. Not counted in ClinVar's aggregate classification.

Joint Genome Diagnostic Labs from Nijmegen and Maastricht, Radboudumc and MUMC+
Classification: Benign. Review status: no assertion criteria provided. Collection method: clinical testing. Allele origin: germline. Affected: yes. Study: VKGL Data-share Consensus. Not counted in ClinVar's aggregate classification.